The following is an entry in ClinVar:

NM_001385079.1(PDE10A):c.2896-7A>G

Gene: PDE10A (phosphodiesterase 10A; minus strand). Cytogenetic location: 6q27.
Variant type: single nucleotide variant.
Coding change: c.2896-7A>G on transcript NM_001385079.1 (MANE Select); 7 bases into the intron before coding-DNA position 2896, A replaced by G.
Molecular consequence: intron variant.
Genome position (GRCh38, 1-based): chr6:165,339,365, T>C on the plus strand (A>G on the coding strand, the complement: PDE10A is on the minus strand). VCF-style: chr6-165339365-T-C. GRCh37 (hg19) VCF-style: chr6-165752854-T-C.
Other names: c.2098-7A>G (NM_001130690.3); c.2068-7A>G (NM_006661.4).
Identifiers: ClinVar variation 3251522 (VCV003251522.1), dbSNP rs766902213.
Genomic context (GRCh38, chr6:165,339,365, plus strand): 5'-GTCTCTGTCCATCATAGGAATAGGCTGTATTCCCAATTTCTTCATTTCATCACCCTAAGA[T>C]GAATGGGGAGAAAATCATGCTTTCTCAAATTTCAAATTGCTATACTATTTTGATATTATT-3'

ClinVar aggregate classification (germline): Uncertain significance (1 of 4 stars; one submission).

Allele frequency attached by ClinVar (database versions not stated): gnomAD exomes below 0.00001; ExAC 0.00001; gnomAD 0.00001; TOPMed 0.00001.
gnomAD v4.1: 8 of 1,516,234 alleles (0.00053%); highest among the groups gnomAD compares: Non-Finnish European, 0.00064%; no homozygotes.

Submission:

Women's Health and Genetics/Laboratory Corporation of America, LabCorp
Classification: Uncertain significance. Last evaluated: 2024-04-04. Review status: criteria provided, single submitter. Criteria: LabCorp Variant Classification Summary - May 2015. Collection method: clinical testing. Allele origin: germline.
Comment: Variant summary: PDE10A c.2098-7A>G alters a non-conserved nucleotide located close to a canonical splice site and therefore could affect mRNA splicing, leading to a significantly altered protein sequence. Consensus agreement among computation tools predict no significant impact on normal splicing. However, these predictions have yet to be confirmed by functional studies. The variant allele was found at a frequency of 8e-06 in 250630 control chromosomes. The available data on variant occurrences in the general population are insufficient to allow any conclusion about variant significance. To our knowledge, no occurrence of c.2098-7A>G in individuals affected with PDE10A-Related Disorders and no experimental evidence demonstrating its impact on protein function have been reported. No submitters have cited clinical-significance assessments for this variant to ClinVar. Based on the evidence outlined above, the variant was classified as uncertain significance.